The following is an entry in ClinVar:

ClinVar aggregate classification (germline): Uncertain significance. Review status: criteria provided, multiple submitters, no conflicts (2 of 4 stars). 2 submissions from 2 submitters: Uncertain significance (2). Last evaluated 2025-05-02.

Conditions:
Hereditary cancer-predisposing syndrome. Also called: Neoplastic Syndromes, Hereditary; Tumor predisposition; Hereditary neoplastic syndrome; Hereditary Cancer Syndrome. Identifiers: Orphanet 140162, MedGen C0027672, MeSH D009386, MONDO:0015356.
Classic or attenuated familial adenomatous polyposis. Identifiers: MedGen CN372698, MONDO:0021057.

Submissions (2):

Ambry Genetics
Classification: Uncertain significance for Hereditary cancer-predisposing syndrome. Last evaluated: 2025-05-02. Review status: criteria provided, single submitter. Criteria: Ambry Variant Classification Scheme 2023. Collection method: clinical testing. Allele origin: germline.
Comment: The p.D1870E variant (also known as c.5610T>A), located in coding exon 15 of the APC gene, results from a T to A substitution at nucleotide position 5610. The aspartic acid at codon 1870 is replaced by glutamic acid, an amino acid with highly similar properties. This amino acid position is well conserved in available vertebrate species. In addition, in silico predictors for this gene do not accurately predict pathogenicity. Missense alterations in APC are not a common cause of disease (Spier I et al. Genet Med. 2024 Feb;26(2):100992). Based on the available evidence, the clinical significance of this variant remains unclear.

All of Us Research Program, National Institutes of Health
Classification: Uncertain significance for Classic or attenuated familial adenomatous polyposis. Last evaluated: 2024-01-11. Review status: criteria provided, single submitter. Criteria: ACMG Guidelines, 2015. Collection method: clinical testing. Allele origin: germline. Inheritance: Autosomal dominant inheritance. Observed: 1 variant allele, 1 heterozygote.
Comment: This study involves interpretation of variants in research participants for the purpose of population health screening. Participant phenotype was not available at the time of variant classification. Additional details can be found in publication PMID: 35346344, PMCID: PMC8962531

NM_000038.6(APC):c.5610T>A (p.Asp1870Glu)

Gene: APC (APC regulator of Wnt signaling pathway; plus strand). Cytogenetic location: 5q22.2.
Variant type: single nucleotide variant.
Coding change: c.5610T>A on transcript NM_000038.6 (MANE Select); coding-DNA position 5610, T replaced by A.
Protein change: p.Asp1870Glu; replaces aspartic acid 1870 with glutamic acid.
Molecular consequence: missense variant. On other transcripts: non-coding transcript variant (2).
Genome position (GRCh38, 1-based): chr5:112,841,204, T>A. VCF-style: chr5-112841204-T-A. GRCh37 (hg19) VCF-style: chr5-112176901-T-A.
Other names: c.5610T>A, p.Asp1870Glu (NM_001127510.3, NM_001354895.2, NM_001407450.1); c.5556T>A, p.Asp1852Glu (NM_001127511.3); c.5664T>A, p.Asp1888Glu (NM_001354896.2, NM_001407447.1, NM_001407448.1 and 1 more transcripts); c.5640T>A, p.Asp1880Glu (NM_001354897.2); c.5535T>A, p.Asp1845Glu (NM_001354898.2); c.5526T>A, p.Asp1842Glu (NM_001354899.2); c.5487T>A, p.Asp1829Glu (NM_001354900.2); c.5433T>A, p.Asp1811Glu (NM_001354901.2, NM_001407453.1); and 11 more; short protein forms D1769E, D1811E, D1829E, D1860E, D1888E, D1587E, D1852E, D1842E.
Identifiers: ClinVar variation 2452712 (VCV002452712.4), dbSNP rs2149944526, ClinGen allele CA16033610.